The following is an entry in ClinVar:

ClinVar aggregate classification (germline): Uncertain significance (1 of 4 stars; one submission).

Conditions:
POLD1-related polyposis and colorectal cancer syndrome (CRCS10). Also called: Colorectal cancer 10; COLORECTAL CANCER, SUSCEPTIBILITY TO, ON CHROMOSOME 19q; Colorectal cancer, susceptibility to, 10. Identifiers: Orphanet 220460, MedGen C2675481, MONDO:0012953, OMIM 612591.

Submission:

Labcorp Genetics (formerly Invitae), Labcorp
Classification: Uncertain significance for POLD1-related polyposis and colorectal cancer syndrome. Last evaluated: 2017-06-09. Review status: criteria provided, single submitter. Criteria: Invitae Variant Classification Sherloc (09022015). Collection method: clinical testing. Allele origin: germline.
Comment: This sequence change creates a premature translational stop signal (p.Tyr273*) in the POLD1 gene. It is expected to result in an absent or disrupted protein product. Missense variants that disrupt the 3'-5' exonuclease (proof-reading) activity of the POLD1 protein, while not abolishing its polymerase enzyme activity, are associated with an increased risk for colonic adenomatous polyps and colon cancer (PMID: 23263490, 23447401). Loss-of-function truncating variants, which result in an absent or severely disrupted POLD1 protein, are therefore unlikely to be associated with disease. Without further clinical and genetic evidence, however, this variant has been classified as a Variant of Uncertain Significance. This variant has not been reported in the literature in individuals with a POLD1-related disease. This variant is not present in population databases (ExAC no frequency).

Literature cited by the submitters: PubMed 23263490; PubMed 23447401.

NM_002691.4(POLD1):c.819C>G (p.Tyr273Ter)

Gene: POLD1 (DNA polymerase delta 1, catalytic subunit; plus strand). Cytogenetic location: 19q13.33.
Variant type: single nucleotide variant.
Coding change: c.819C>G on transcript NM_002691.4 (MANE Select); coding-DNA position 819, C replaced by G.
Protein change: p.Tyr273Ter; replaces tyrosine 273 with a stop codon.
Molecular consequence: nonsense. On other transcripts: non-coding transcript variant (1).
Genome position (GRCh38, 1-based): chr19:50,402,514, C>G. VCF-style: chr19-50402514-C-G. GRCh37 (hg19) VCF-style: chr19-50905771-C-G.
Other names: c.819C>G, p.Tyr273Ter (NM_001256849.1, NM_001308632.1); short protein forms Y273*.
Identifiers: ClinVar variation 469387 (VCV000469387.8), dbSNP rs777427540, ClinGen allele CA406975055.
Genomic context (GRCh38, chr19:50,402,514, plus strand): 5'-GTTCATGGTGGACACGGACATCGTCGGCTGCAACTGGCTGGAGCTCCCAGCTGGGAAATA[C>G]GCCCTGAGGCTGAAGGAGAAGGTGCAGGGCTTCCCAGGGCAGGGCTGGGTGGGGAGCTGG-3'